The following is an entry in ClinVar:

NM_198253.3(TERT):c.1453del (p.Arg485fs)

Gene: TERT (telomerase reverse transcriptase; minus strand). Cytogenetic location: 5p15.33.
Variant type: Deletion.
Coding change: c.1453del on transcript NM_198253.3 (MANE Select); coding-DNA position 1453, one base deleted (C; older notation c.1453delC).
Protein change: p.Arg485fs; shifts the reading frame from arginine 485.
Molecular consequence: frameshift variant. On other transcripts: non-coding transcript variant (2).
Genome position (GRCh38, 1-based): chr5:1,293,433, G deleted on the plus strand (C on the coding strand, the reverse complement: TERT is on the minus strand). VCF-style (leftmost placement, unchanged base first): chr5-1293432-CG-C. GRCh37 (hg19) VCF-style: chr5-1293547-CG-C.
Other names: c.1453del, p.Arg485fs (NM_001193376.3); c.1453delC, p.Arg485Alafs (NM_003219.1); short protein forms R485fs.
Identifiers: ClinVar variation 2112405 (VCV002112405.4), dbSNP rs2478409294, ClinGen allele CA2580071973.

ClinVar aggregate classification (germline): Pathogenic (1 of 4 stars; one submission).

Conditions:
Idiopathic Pulmonary Fibrosis. Also called: Idiopathic fibrosing alveolitis, chronic form; idiopathic fibrosing alveolitis. Identifiers: Orphanet 2032, MedGen C1800706, MeSH D054990, MONDO:0800504.
Dyskeratosis congenita, autosomal dominant 2. Identifiers: MedGen C3151443, MONDO:0013521, OMIM 613989.

Submission:

Labcorp Genetics (formerly Invitae), Labcorp
Classification: Pathogenic for Dyskeratosis congenita, autosomal dominant 2; Idiopathic Pulmonary Fibrosis. Last evaluated: 2022-03-15. Review status: criteria provided, single submitter. Criteria: Invitae Variant Classification Sherloc (09022015). Collection method: clinical testing. Allele origin: germline.
Comment: This variant is not present in population databases (gnomAD no frequency). This sequence change creates a premature translational stop signal (p.Arg485Alafs*24) in the TERT gene. It is expected to result in an absent or disrupted protein product. Loss-of-function variants in TERT are known to be pathogenic (PMID: 16247010, 17460043). For these reasons, this variant has been classified as Pathogenic. This variant has not been reported in the literature in individuals affected with TERT-related conditions.

Literature cited by the submitters: PubMed 16247010; PubMed 17460043.